The following is an entry in ClinVar:

NM_001080517.3(SETD5):c.2276G>A (p.Gly759Asp)

Gene: SETD5 (SET domain containing 5; plus strand). Cytogenetic location: 3p25.3.
Variant type: single nucleotide variant.
Coding change: c.2276G>A on transcript NM_001080517.3 (MANE Select); coding-DNA position 2276, G replaced by A.
Protein change: p.Gly759Asp; replaces glycine 759 with aspartic acid.
Molecular consequence: missense variant.
Genome position (GRCh38, 1-based): chr3:9,448,560, G>A. VCF-style: chr3-9448560-G-A. GRCh37 (hg19) VCF-style: chr3-9490244-G-A.
Other names: c.1982G>A, p.Gly661Asp (NM_001292043.2, NM_001349451.2); short protein forms G661D, G759D.
Identifiers: ClinVar variation 3766339 (VCV003766339.1).

ClinVar aggregate classification (germline): Uncertain significance (1 of 4 stars; one submission).

Submission:

GeneDx
Classification: Uncertain significance. Last evaluated: 2024-08-23. Review status: criteria provided, single submitter. Criteria: GeneDx Variant Classification Process June 2021. Collection method: clinical testing. Allele origin: germline. Affected: yes.
Comment: Not observed at significant frequency in large population cohorts (gnomAD); In silico analysis indicates that this missense variant does not alter protein structure/function; Has not been previously published as pathogenic or benign to our knowledge